The following is an entry in ClinVar:

ClinVar aggregate classification (germline): Uncertain significance (1 of 4 stars; one submission).

Allele frequency attached by ClinVar (database versions not stated): gnomAD exomes below 0.00001.
gnomAD v4.1: 1 of 1,611,982 alleles (0.000062%); highest among the groups gnomAD compares: South Asian, 0.0011%; no homozygotes.

Submission:

Labcorp Genetics (formerly Invitae), Labcorp
Classification: Uncertain significance. Last evaluated: 2023-08-02. Review status: criteria provided, single submitter. Criteria: Invitae Variant Classification Sherloc (09022015). Collection method: clinical testing. Allele origin: germline.
Comment: In summary, the available evidence is currently insufficient to determine the role of this variant in disease. Therefore, it has been classified as a Variant of Uncertain Significance. Variants that disrupt the consensus splice site are a relatively common cause of aberrant splicing (PMID: 17576681, 9536098). Algorithms developed to predict the effect of sequence changes on RNA splicing suggest that this variant is not likely to affect RNA splicing. This variant has not been reported in the literature in individuals affected with PITPNM3-related conditions. This variant is not present in population databases (gnomAD no frequency). This sequence change falls in intron 6 of the PITPNM3 gene. It does not directly change the encoded amino acid sequence of the PITPNM3 protein. It affects a nucleotide within the consensus splice site.

Literature cited by the submitters: PubMed 17576681; PubMed 9536098.

NM_031220.4(PITPNM3):c.587+3G>A

Gene: PITPNM3 (PITPNM family member 3; minus strand). Cytogenetic location: 17p13.2.
Variant type: single nucleotide variant.
Coding change: c.587+3G>A on transcript NM_031220.4 (MANE Select); 3 bases into the intron after coding-DNA position 587, G replaced by A.
Molecular consequence: intron variant.
Genome position (GRCh38, 1-based): chr17:6,483,514, C>T on the plus strand (G>A on the coding strand, the complement: PITPNM3 is on the minus strand). VCF-style: chr17-6483514-C-T. GRCh37 (hg19) VCF-style: chr17-6386834-C-T.
Other names: c.479+3G>A (NM_001165966.2).
Identifiers: ClinVar variation 2749460 (VCV002749460.3), dbSNP rs2544031660, ClinGen allele CA2635702563.